The following is an entry in ClinVar:

NM_000492.4(CFTR):c.3811G>A (p.Gly1271Ser)

Genes: CFTR (CF transmembrane conductance regulator; plus strand), CFTR-AS2 (CFTR antisense RNA 2; minus strand). Cytogenetic location: 7q31.2.
Variant type: single nucleotide variant.
Coding change: c.3811G>A on transcript NM_000492.4 (MANE Select); coding-DNA position 3811, G replaced by A.
Protein change: p.Gly1271Ser; replaces glycine 1271 with serine.
Molecular consequence: missense variant.
Genome position (GRCh38, 1-based): chr7:117,642,531, G>A. VCF-style: chr7-117642531-G-A. GRCh37 (hg19) VCF-style: chr7-117282585-G-A.
Other names: short protein forms G1271S.
Identifiers: ClinVar variation 1735164 (VCV001735164.5), dbSNP rs1584837127, ClinGen allele CA368975114.

ClinVar aggregate classification (germline): Uncertain significance. Review status: criteria provided, multiple submitters, no conflicts (2 of 4 stars). 2 submissions from 2 submitters: Uncertain significance (2). Last evaluated 2020-09-16.

Conditions:
Cystic fibrosis (CF). Also called: MUCOVISCIDOSIS. Identifiers: Orphanet 586, MedGen C0010674, MONDO:0009061, OMIM 219700. Disease mechanism: loss of function.

Submissions (2):

Ambry Genetics
Classification: Uncertain significance for Cystic fibrosis. Last evaluated: 2020-09-16. Review status: criteria provided, single submitter. Criteria: Ambry Variant Classification Scheme 2023. Collection method: clinical testing. Allele origin: germline.
Comment: The p.G1271S variant (also known as c.3811G>A), located in coding exon 23 of the CFTR gene, results from a G to A substitution at nucleotide position 3811. The glycine at codon 1271 is replaced by serine, an amino acid with similar properties. This amino acid position is highly conserved in available vertebrate species. In addition, this alteration is predicted to be deleterious by in silico analysis. Since supporting evidence is limited at this time, the clinical significance of this alteration remains unclear.

Revvity Omics, Revvity
Classification: Uncertain significance. Last evaluated: 2019-11-29. Review status: criteria provided, single submitter. Criteria: ACMG Guidelines, 2015. Collection method: clinical testing. Allele origin: germline.